The following is an entry in ClinVar:

NM_022436.3(ABCG5):c.1603G>A (p.Ala535Thr)

Genes: DYNC2LI1 (dynein cytoplasmic 2 light intermediate chain 1; plus strand), ABCG5 (ATP binding cassette subfamily G member 5; minus strand). Cytogenetic location: 2p21.
Variant type: single nucleotide variant.
Coding change: c.1603G>A on transcript NM_022436.3 (MANE Select); coding-DNA position 1603, G replaced by A.
Protein change: p.Ala535Thr; replaces alanine 535 with threonine.
Molecular consequence: missense variant. On other transcripts: intron variant (2).
Genome position (GRCh38, 1-based): chr2:43,819,961, C>T on the plus strand (G>A on the coding strand, the complement: ABCG5 is on the minus strand). VCF-style: chr2-43819961-C-T. GRCh37 (hg19) VCF-style: chr2-44047100-C-T.
Other names: c.*16-7425C>T (NM_001348913.2, NM_001348912.2); short protein forms A535T.
Identifiers: ClinVar variation 1776225 (VCV001776225.3), dbSNP rs1222841214, ClinGen allele CA346662842.
Genomic context (GRCh38, chr2:43,819,961, plus strand): 5'-TTATGATATCTTACCTGAGGAATCCAGATCCAACAAGCACCCCCGCAATGGACAGCAGAG[C>T]CACTACACTGTTGACTATATTTGGATTTTGGACGATACCAAGTAGCACAAGAGTTAGAAA-3'
Protein context (NP_071881.1, residues 525-545): QNPNIVNSVV[Ala535Thr]LLSIAGVLVG

ClinVar aggregate classification (germline): Uncertain significance (1 of 4 stars; one submission).

Conditions:
Cardiovascular phenotype. Identifiers: MedGen CN230736.

Allele frequency attached by ClinVar (database versions not stated): gnomAD 0.00001; TOPMed below 0.00001.
gnomAD v4.1: 40 of 1,614,012 alleles (0.0025%); highest among the groups gnomAD compares: Non-Finnish European, 0.0033%; no homozygotes.

Submission:

Ambry Genetics
Classification: Uncertain significance for Cardiovascular phenotype. Last evaluated: 2025-02-10. Review status: criteria provided, single submitter. Criteria: Ambry Variant Classification Scheme 2023. Collection method: clinical testing. Allele origin: germline.
Comment: The p.A535T variant (also known as c.1603G>A), located in coding exon 11 of the ABCG5 gene, results from a G to A substitution at nucleotide position 1603. The alanine at codon 535 is replaced by threonine, an amino acid with similar properties. This amino acid position is conserved. In addition, this alteration is predicted to be tolerated by in silico analysis. Since supporting evidence is limited at this time, the clinical significance of this alteration remains unclear.